The following is an entry in ClinVar:

ClinVar aggregate classification (germline): Pathogenic/Likely pathogenic. Review status: criteria provided, multiple submitters, no conflicts (2 of 4 stars). 3 submissions from 3 submitters: Pathogenic (1); Likely pathogenic (1). 1 of the submissions does not count toward it. Last evaluated 2025-02-18.

Conditions:
Alstrom syndrome (ALMS). Identifiers: Orphanet 64, MedGen C0268425, MONDO:0008763, OMIM 203800.

Allele frequency attached by ClinVar (database versions not stated): gnomAD exomes below 0.00001 and 0.00001; ExAC 0.00001.
gnomAD v4.1: 5 of 1,613,926 alleles (0.00031%); highest among the groups gnomAD compares: Non-Finnish European, 0.00034%; no homozygotes.

Submissions (3):

Natera, Inc.
Classification: Likely pathogenic for Alstrom syndrome. Last evaluated: 2025-02-18. Review status: criteria provided, single submitter. Criteria: Natera Variant Classification Schema (03/2026). Collection method: clinical testing. Allele origin: germline.
Comment: The c.6800T>A variant in ALMS1 is a nonsense variant predicted to introduce a stop codon at amino acid 2267. This variant is expected to result in nonsense mediated decay, truncation, or a dysfunctional protein product. This variant is rare in the general population with a frequency below the threshold expected for the associated phenotype(s). Given the available evidence, this variant is classified as Likely Pathogenic.

Labcorp Genetics (formerly Invitae), Labcorp
Classification: Pathogenic for Alstrom syndrome. Last evaluated: 2024-06-02. Review status: criteria provided, single submitter. Criteria: Invitae Variant Classification Sherloc (09022015). Collection method: clinical testing. Allele origin: germline.
Comment: This sequence change creates a premature translational stop signal (p.Leu2267*) in the ALMS1 gene. It is expected to result in an absent or disrupted protein product. Loss-of-function variants in ALMS1 are known to be pathogenic (PMID: 17594715). This variant is present in population databases (rs761071372, gnomAD 0.002%). This premature translational stop signal has been observed in individual(s) with Alstrom syndrome (PMID: 17594715). ClinVar contains an entry for this variant (Variation ID: 554903). For these reasons, this variant has been classified as Pathogenic.

Counsyl
Classification: Likely pathogenic for Alstrom syndrome. Last evaluated: 2017-11-08. Review status: no assertion criteria provided. Collection method: clinical testing. Allele origin: unknown. Not counted in ClinVar's aggregate classification.

Literature cited by the submitters: PubMed 17594715 (cited by Labcorp Genetics (formerly Invitae), Labcorp and Counsyl).

NM_001378454.1(ALMS1):c.6797T>A (p.Leu2266Ter)

Gene: ALMS1 (ALMS1 centrosome and basal body associated protein; plus strand). Cytogenetic location: 2p13.1.
Variant type: single nucleotide variant.
Coding change: c.6797T>A on transcript NM_001378454.1 (MANE Select); coding-DNA position 6797, T replaced by A.
Protein change: p.Leu2266Ter; replaces leucine 2266 with a stop codon.
Molecular consequence: nonsense.
Genome position (GRCh38, 1-based): chr2:73,453,324, T>A. VCF-style: chr2-73453324-T-A. GRCh37 (hg19) VCF-style: chr2-73680451-T-A.
Other names: c.6800T>A, p.Leu2267Ter (NM_015120.4); short protein forms L2267*, L2266*.
Identifiers: ClinVar variation 554903 (VCV000554903.12), dbSNP rs761071372, ClinGen allele CA1714125.
Genomic context (GRCh38, chr2:73,453,324, plus strand): 5'-CTGAAGAAATCCAGGATGCAGAAAATAGTGCTAAAACTCTTAAGGAAATTCGGACACTTT[T>A]GATGGAGGCAGAAAATATGGCACTGAAACGATGCAATTTTCCTGCTCCCCTTGCCCGTTT-3'